The following is an entry in ClinVar:

NM_001375567.1(FOCAD):c.5244A>G (p.Glu1748=)

Gene: FOCAD (focadhesin; plus strand). Cytogenetic location: 9p21.3.
Variant type: single nucleotide variant.
Coding change: c.5244A>G on transcript NM_001375567.1 (MANE Select); coding-DNA position 5244, A replaced by G.
Protein change: p.Glu1748=; no amino-acid change (glutamic acid 1748 retained).
Molecular consequence: synonymous variant.
Genome position (GRCh38, 1-based): chr9:20,990,362, A>G. VCF-style: chr9-20990362-A-G. GRCh37 (hg19) VCF-style: chr9-20990361-A-G.
Other names: c.5139A>G, p.Glu1713= (NM_001375568.1, NM_001375570.1); c.5244A>G, p.Glu1748= (NM_017794.5).
Identifiers: ClinVar variation 3029078 (VCV003029078.3), dbSNP rs779829520, ClinGen allele CA5008230.
Genomic context (GRCh38, chr9:20,990,362, plus strand): 5'-GGTTCTCACTCTCCTTCCCAATAGCATGGCTCTGCTGCTGCAGAAAGAGCCATGGAAGGA[A>G]CAGACCCAGAAGGTGAGGCTGGCAGCCACCTGCTTAGCAGGGCAGGCAGCCATTGTCTCT-3'
Protein context (NP_001362496.1, residues 1738-1758): ALLLQKEPWK[Glu1748=]QTQKFIDWLF

ClinVar aggregate classification (germline): Likely benign. Review status: criteria provided, single submitter (1 of 4 stars). 2 submissions from 2 submitters: Likely benign (1). 1 of the submissions does not count toward it. Last evaluated 2026-01-13.

Conditions:
FOCAD-related disorder. Also called: FOCAD-related condition.

Allele frequency attached by ClinVar (database versions not stated): gnomAD exomes below 0.00001; ExAC 0.00001; gnomAD 0.00009; TOPMed 0.00012.
gnomAD v4.1: 20 of 1,613,450 alleles (0.0012%); highest among the groups gnomAD compares: Admixed American, 0.025%; no homozygotes.

Submissions (2):

Labcorp Genetics (formerly Invitae), Labcorp
Classification: Likely benign. Last evaluated: 2026-01-13. Review status: criteria provided, single submitter. Criteria: Invitae Variant Classification Sherloc (09022015). Collection method: clinical testing. Allele origin: germline.

PreventionGenetics, part of Exact Sciences
Classification: Likely benign for FOCAD-related condition. Last evaluated: 2022-05-19. Review status: no assertion criteria provided. Collection method: clinical testing. Allele origin: germline. Not counted in ClinVar's aggregate classification.
Comment: This variant is classified as likely benign based on ACMG/AMP sequence variant interpretation guidelines (Richards et al. 2015 PMID: 25741868, with internal and published modifications).